The following is an entry in ClinVar:

ClinVar aggregate classification (germline): Benign. Review status: criteria provided, single submitter (1 of 4 stars). 2 submissions from 2 submitters: Benign (1). 1 of the submissions does not count toward it. Last evaluated 2015-02-16.

Conditions:
GRIA1-related disorder. Also called: GRIA1-related condition.

Allele frequency attached by ClinVar (database versions not stated): gnomAD exomes 0.03002 and 0.05017; gnomAD 0.08628 and 0.08771; TOPMed 0.09117; ExAC 0.09833; 1000 Genomes Project 0.11422; 1000 Genomes Project 30x 0.11571.

Submissions (2):

Genomic Diagnostic Laboratory, Division of Genomic Diagnostics, Children's Hospital of Philadelphia
Classification: Benign. Last evaluated: 2015-02-16. Review status: criteria provided, single submitter. Criteria: DGD Variant Analysis Guidelines. Collection method: clinical testing. Allele origin: unknown.

PreventionGenetics, part of Exact Sciences
Classification: Benign for GRIA1-related condition. Last evaluated: 2023-11-29. Review status: no assertion criteria provided. Collection method: clinical testing. Allele origin: germline. Not counted in ClinVar's aggregate classification.
Comment: This variant is classified as benign based on ACMG/AMP sequence variant interpretation guidelines (Richards et al. 2015 PMID: 25741868, with internal and published modifications).

NM_000827.4(GRIA1):c.82+1259dup

Gene: GRIA1 (glutamate ionotropic receptor AMPA type subunit 1; plus strand). Cytogenetic location: 5q33.2.
Variant type: Duplication.
Coding change: c.82+1259dup on transcript NM_000827.4 (MANE Select); 1259 bases into the intron after coding-DNA position 82, one base duplicated (C; older notation c.82+1259dupC).
Molecular consequence: intron variant. On other transcripts: frameshift variant (3).
Genome position (GRCh38, 1-based): chr5:153,492,229, C duplicated. VCF-style (leftmost placement, unchanged base first): chr5-153492228-T-TC. GRCh37 (hg19) VCF-style: chr5-152871788-T-TC.
Other names: c.31dup, p.Leu11fs (NM_001258021.2, NM_001258022.2); c.28dup, p.Leu10fs (NM_001364166.2); c.-126+897dup (NM_001364167.2, NM_001258023.1); c.-261+1259dup (NM_001258020.2); c.82+1259dup (NM_001114183.2, NM_001364165.2, NM_001258019.2); c.28dupC (NM_001364166.1); short protein forms L10fs, L11fs.
Identifiers: ClinVar variation 218567 (VCV000218567.3), dbSNP rs3841128, ClinGen allele CA248868.